The following is an entry in ClinVar:

NM_001365276.2(TNXB):c.7126G>A (p.Gly2376Ser)

Gene: TNXB (tenascin XB; minus strand). Cytogenetic location: 6p21.33.
Variant type: single nucleotide variant.
Coding change: c.7126G>A on transcript NM_001365276.2 (MANE Select); coding-DNA position 7126, G replaced by A.
Protein change: p.Gly2376Ser; replaces glycine 2376 with serine.
Molecular consequence: missense variant.
Genome position (GRCh38, 1-based): chr6:32,062,199, C>T on the plus strand (G>A on the coding strand, the complement: TNXB is on the minus strand). VCF-style: chr6-32062199-C-T. GRCh37 (hg19) VCF-style: chr6-32029976-C-T.
Other names: c.7126G>A, p.Gly2376Ser (NM_019105.8); short protein forms G2376S.
Identifiers: ClinVar variation 1712586 (VCV001712586.2), dbSNP rs764295837, ClinGen allele CA3734251.
Genomic context (GRCh38, chr6:32,062,199, plus strand): 5'-CTCCCATCGTCCACTCACCTGTCACCCCGATGGCAGACACGGGGCCCACACGCTGGCCAC[C>T]GTGGAAGCCGTACAGGTTCATCTTGTACTTGTTGTCTGGCTCCAGGCCGGAGATGGTGAC-3'
Protein context (NP_001352205.1, residues 2366-2386): KYKMNLYGFH[Gly2376Ser]GQRVGPVSAI

ClinVar aggregate classification (germline): Uncertain significance (1 of 4 stars; one submission).

Allele frequency attached by ClinVar (database versions not stated): gnomAD 0.00001; gnomAD exomes 0.00001; ExAC 0.00002; TOPMed 0.00003.
gnomAD v4.1: 17 of 1,612,272 alleles (0.0011%); highest among the groups gnomAD compares: East Asian, 0.0067%; no homozygotes.

Submission:

GeneDx
Classification: Uncertain significance. Last evaluated: 2022-04-26. Review status: criteria provided, single submitter. Criteria: GeneDx Variant Classification Process June 2021. Collection method: clinical testing. Allele origin: germline. Affected: yes.
Comment: Not observed at significant frequency in large population cohorts (gnomAD); In silico analysis supports that this missense variant does not alter protein structure/function; Has not been previously published as pathogenic or benign to our knowledge